The following is an entry in ClinVar:

NM_001267550.2(TTN):c.2744G>A (p.Arg915His)

Gene: TTN (titin; minus strand). Cytogenetic location: 2q31.2.
Variant type: single nucleotide variant.
Coding change: c.2744G>A on transcript NM_001267550.2 (MANE Select); coding-DNA position 2744, G replaced by A.
Protein change: p.Arg915His; replaces arginine 915 with histidine.
Molecular consequence: missense variant.
Genome position (GRCh38, 1-based): chr2:178,784,101, C>T on the plus strand (G>A on the coding strand, the complement: TTN is on the minus strand). VCF-style: chr2-178784101-C-T. GRCh37 (hg19) VCF-style: chr2-179648828-C-T.
Other names: p.R915H:CGC>CAC; c.2744G>A, p.Arg915His (NM_001256850.1, NM_133378.4, NM_133379.5); c.2606G>A, p.Arg869His (NM_003319.4, NM_133432.3, NM_133437.4); short protein forms R915H, R869H.
Identifiers: ClinVar variation 202328 (VCV000202328.8), dbSNP rs376922544, ClinGen allele CA309100.
Genomic context (GRCh38, chr2:178,784,101, plus strand): 5'-CATGTAACAGCGGGTAACCAGTGACCAACCTTGGCTTCGCGTCCGTGCAGTACTTCAAAG[C>T]GCTCTTCACGGACGGTGGTGCCAGTGATGCTCACCCCTACTTCCTTTTTCACCTCAACGC-3'
Protein context (NP_001254479.2, residues 905-925): SITGTTVREE[Arg915His]FEVLHGREAK

ClinVar aggregate classification (germline): Conflicting classifications of pathogenicity. Review status: criteria provided, conflicting classifications (1 of 4 stars). 4 submissions from 4 submitters: Uncertain significance (3); Likely benign (1). Last evaluated 2021-03-11.

Conditions:
Cardiovascular phenotype. Identifiers: MedGen CN230736.

Allele frequency attached by ClinVar (database versions not stated): TOPMed 0.00001; ESP Exome Variant Server 0.00008.
gnomAD v4.1: 26 of 1,613,738 alleles (0.0016%); highest among the groups gnomAD compares: Middle Eastern, 0.017%; no homozygotes.

Submissions (4):

Women's Health and Genetics/Laboratory Corporation of America, LabCorp
Classification: Uncertain significance. Last evaluated: 2021-03-11. Review status: criteria provided, single submitter. Criteria: LabCorp Variant Classification Summary - May 2015. Collection method: clinical testing. Allele origin: germline.
Comment: Variant summary: TTN c.2744G>A (p.Arg915His) results in a non-conservative amino acid change in the encoded protein sequence. Four of five in-silico tools predict a benign effect of the variant on protein function. The variant allele was found at a frequency of 8e-06 in 251008 control chromosomes. The available data on variant occurrences in the general population are insufficient to allow any conclusion about variant significance. To our knowledge, no occurrence of c.2744G>A in individuals affected with Dilated Cardiomyopathy and no experimental evidence demonstrating its impact on protein function have been reported. No clinical diagnostic laboratories have submitted clinical-significance assessments for this variant to ClinVar after 2014. Based on the evidence outlined above, the variant was classified as uncertain significance.

GeneDx
Classification: Likely benign. Last evaluated: 2020-02-14. Review status: criteria provided, single submitter. Criteria: GeneDx Variant Classification Process June 2021. Collection method: clinical testing. Allele origin: germline. Affected: yes.

Revvity Omics, Revvity
Classification: Uncertain significance. Last evaluated: 2019-01-31. Review status: criteria provided, single submitter. Criteria: ACMG Guidelines, 2015. Collection method: clinical testing. Allele origin: germline.

Ambry Genetics
Classification: Uncertain significance for Cardiovascular phenotype. Last evaluated: 2013-07-08. Review status: criteria provided, single submitter. Criteria: Ambry Autosomal Dominant and X-Linked criteria (10/2015). Collection method: clinical testing. Allele origin: germline. Observed: 1 variant allele.
Comment: Ã¢â‚¬â€¹The p.R915H variant (also known as c.2744G>A) is located in coding exon 15 of the TTN gene. This alteration results from a G to A substitution at nucleotide position 2744. The arginine at codon 915 is replaced by histidine, an amino acid with some similar properties. Based on data from the NHLBI Exome Sequencing Project (ESP), the A-allele has an overall frequency of approximately 0.01% (1/13,006), having been observed in 0.0% (0/4406) of African American alleles, and in 0.01% (1/8600) of European American alleles studied. Based on protein sequence alignment in available species, this amino acid position is poorly conserved, and histidine is the reference amino acid in conserved in 12 species. In addition, this alteration is predicted to be tolerated by in silico analysis. Since supporting evidence is limited at this time, the clinical significance of this variant remains unclear.